The following is an entry in ClinVar:

ClinVar aggregate classification (germline): Uncertain significance (1 of 4 stars; one submission).

Submission:

Women's Health and Genetics/Laboratory Corporation of America, LabCorp
Classification: Uncertain significance. Last evaluated: 2026-05-06. Review status: criteria provided, single submitter. Criteria: LabCorp Variant Classification Summary - May 2015. Collection method: clinical testing. Allele origin: germline.
Comment: Variant summary: TH c.788G>T (p.Trp263Leu) results in a non-conservative amino acid change in the encoded protein sequence. Algorithms developed to predict the effect of missense changes on protein structure and function all suggest that this variant is likely to be disruptive. Several computational tools predict a significant impact on normal splicing: Two predict the variant abolishes a 5' splicing donor site. Two predict the variant weakens a 5' donor site. However, these predictions have yet to be confirmed by functional studies. The variant was absent in 172256 control chromosomes (gnomAD). The available data on variant occurrences in the general population are insufficient to allow any conclusion about variant significance. To our knowledge, no occurrence of c.788G>T in individuals affected with TH-related conditions and no experimental evidence demonstrating its impact on protein function have been reported. No submitters have cited clinical-significance assessments for this variant to ClinVar. Based on the evidence outlined above, the variant was classified as uncertain significance.

NM_000360.4(TH):c.695G>T (p.Trp232Leu)

Gene: TH (tyrosine hydroxylase; minus strand). Cytogenetic location: 11p15.5.
Variant type: single nucleotide variant.
Coding change: c.695G>T on transcript NM_000360.4 (MANE Select); coding-DNA position 695, G replaced by T.
Protein change: p.Trp232Leu; replaces tryptophan 232 with leucine.
Molecular consequence: missense variant.
Genome position (GRCh38, 1-based): chr11:2,167,435, C>A on the plus strand (G>T on the coding strand, the complement: TH is on the minus strand). VCF-style: chr11-2167435-C-A. GRCh37 (hg19) VCF-style: chr11-2188665-C-A.
Other names: c.788G>T, p.Trp263Leu (NM_199292.3); c.776G>T, p.Trp259Leu (NM_199293.3); c.707G>T, p.Trp236Leu (NM_001440535.1, NM_001440536.1); c.695G>T, p.Trp232Leu (NM_001440537.1); short protein forms W232L, W236L, W259L, W263L.
Identifiers: ClinVar variation 4853511 (VCV004853511.1).